The following is an entry in ClinVar:

NM_000540.3(RYR1):c.6676C>T (p.Pro2226Ser)

Gene: RYR1 (ryanodine receptor 1; plus strand). Cytogenetic location: 19q13.2.
Variant type: single nucleotide variant.
Coding change: c.6676C>T on transcript NM_000540.3 (MANE Select); coding-DNA position 6676, C replaced by T.
Protein change: p.Pro2226Ser; replaces proline 2226 with serine.
Molecular consequence: missense variant.
Genome position (GRCh38, 1-based): chr19:38,496,421, C>T. VCF-style: chr19-38496421-C-T. GRCh37 (hg19) VCF-style: chr19-38987061-C-T.
Other names: c.6676C>T, p.Pro2226Ser (NM_001042723.2); short protein forms P2226S.
Identifiers: ClinVar variation 3074350 (VCV003074350.1), dbSNP rs2514288458, ClinGen allele CA405666183.
Genomic context (GRCh38, chr19:38,496,421, plus strand): 5'-GGGGAGGCAGCCACAGAGGGCAGGCCCTGACCACCCTGCCTGTCCCAGGAGATCCGCTTC[C>T]CCAAGATGGTGACAAGCTGCTGCCGCTTCCTCTGCTATTTCTGCCGAATCAGCCGGCAGA-3'
Protein context (NP_000531.2, residues 2216-2236): GGGESKEIRF[Pro2226Ser]KMVTSCCRFL

ClinVar aggregate classification (germline): Uncertain significance (1 of 4 stars; one submission).

Conditions:
Malignant hyperthermia, susceptibility to, 1 (MHS1). Also called: Anesthesia related hyperthermia; Malignant hyperpyrexia; Fulminating hyperpyrexia; Pharmacogenic myopathy; RYR1-Related Malignant Hyperthermia Susceptibility; Malignant hyperthermia suceptibility 1. Identifiers: Orphanet 423, MedGen C2930980, MONDO:0007783, OMIM 145600.

Submission:

All of Us Research Program, National Institutes of Health
Classification: Uncertain significance for Malignant hyperthermia, susceptibility to, 1. Last evaluated: 2023-11-02. Review status: criteria provided, single submitter. Criteria: ACMG Guidelines, 2015. Collection method: clinical testing. Allele origin: germline. Inheritance: Autosomal dominant inheritance. Observed: 1 variant allele, 1 heterozygote.
Comment: This missense variant replaces proline with serine at codon 2226 of the RYR1 protein. Computational prediction is inconclusive regarding the impact of this variant on protein structure and function (internally defined REVEL score threshold 0.5 < inconclusive < 0.7, PMID: 27666373). To our knowledge, functional studies have not been reported for this variant. This variant has not been reported in individuals affected with RYR1-related disorders in the literature. This variant has not been identified in the general population by the Genome Aggregation Database (gnomAD). The available evidence is insufficient to determine the role of this variant in disease conclusively. Therefore, this variant is classified as a Variant of Uncertain Significance.

This study involves interpretation of variants in research participants for the purpose of population health screening. Participant phenotype was not available at the time of variant classification. Additional details can be found in publication PMID: 35346344, PMCID: PMC8962531